The following is an entry in ClinVar:

ClinVar aggregate classification (germline): Uncertain significance (1 of 4 stars; one submission).

Conditions:
Cardiovascular phenotype. Identifiers: MedGen CN230736.

Submission:

Ambry Genetics
Classification: Uncertain significance for Cardiovascular phenotype. Last evaluated: 2020-03-19. Review status: criteria provided, single submitter. Criteria: Ambry Variant Classification Scheme 2023. Collection method: clinical testing. Allele origin: germline.
Comment: The p.D1055G variant (also known as c.3164A>G), located in coding exon 21 of the TRPM4 gene, results from an A to G substitution at nucleotide position 3164. The aspartic acid at codon 1055 is replaced by glycine, an amino acid with similar properties. This amino acid position is highly conserved in available vertebrate species. In addition, this alteration is predicted to be deleterious by in silico analysis. Since supporting evidence is limited at this time, the clinical significance of this alteration remains unclear.

NM_017636.4(TRPM4):c.3164A>G (p.Asp1055Gly)

Gene: TRPM4 (transient receptor potential cation channel subfamily M member 4; plus strand). Cytogenetic location: 19q13.33.
Variant type: single nucleotide variant.
Coding change: c.3164A>G on transcript NM_017636.4 (MANE Select); coding-DNA position 3164, A replaced by G.
Protein change: p.Asp1055Gly; replaces aspartic acid 1055 with glycine.
Molecular consequence: missense variant.
Genome position (GRCh38, 1-based): chr19:49,210,241, A>G. VCF-style: chr19-49210241-A-G. GRCh37 (hg19) VCF-style: chr19-49713498-A-G.
Other names: c.2729A>G, p.Asp910Gly (NM_001195227.2); c.2819A>G, p.Asp940Gly (NM_001321281.2); c.1556A>G, p.Asp519Gly (NM_001321282.2); c.2642A>G, p.Asp881Gly (NM_001321283.2); c.2102A>G, p.Asp701Gly (NM_001321285.2); short protein forms D701G, D881G, D940G, D519G, D1055G, D910G.
Identifiers: ClinVar variation 1728344 (VCV001728344.2), dbSNP rs2514238253, ClinGen allele CA406771577.